The following is an entry in ClinVar:

NM_001164277.2(SLC37A4):c.1012T>C (p.Phe338Leu)

Gene: SLC37A4 (solute carrier family 37 member 4; minus strand). Cytogenetic location: 11q23.3.
Variant type: single nucleotide variant.
Coding change: c.1012T>C on transcript NM_001164277.2 (MANE Select); coding-DNA position 1012, T replaced by C.
Protein change: p.Phe338Leu; replaces phenylalanine 338 with leucine.
Molecular consequence: missense variant.
Genome position (GRCh38, 1-based): chr11:119,025,302, A>G on the plus strand (T>C on the coding strand, the complement: SLC37A4 is on the minus strand). VCF-style: chr11-119025302-A-G. GRCh37 (hg19) VCF-style: chr11-118896012-A-G.
Other names: p.Phe338Leu; c.1078T>C, p.Phe360Leu (NM_001164278.2); c.793T>C, p.Phe265Leu (NM_001164279.2); c.1012T>C, p.Phe338Leu (NM_001164280.2, NM_001467.6); short protein forms F338L, F360L, F265L.
Identifiers: ClinVar variation 215175 (VCV000215175.12), dbSNP rs200662873, ClinGen allele CA322806.

ClinVar aggregate classification (germline): Uncertain significance. Review status: criteria provided, multiple submitters, no conflicts (2 of 4 stars). 7 submissions from 7 submitters: Uncertain significance (6). 1 of the submissions does not count toward it. Last evaluated 2025-09-25.

Conditions:
Congenital disorder of glycosylation, type IIw. Identifiers: MedGen C5561986, MONDO:0030437, OMIM 619525.
Glucose-6-phosphate transport defect (GSD1B). Also called: Glycogen Storage Disease Type Ib; GSD Ib. Identifiers: Orphanet 364, Orphanet 79259, MedGen C0268146, MONDO:0009288, OMIM 232220.
Phosphate transport defect (GSD1C). Also called: GLYCOGEN STORAGE DISEASE Ic; GSD Ic. Identifiers: Orphanet 364, Orphanet 79259, MedGen C0342749, OMIM 232240.
SLC37A4-related disorder. Also called: SLC37A4-related condition.
Inborn genetic diseases. Identifiers: MedGen C0950123, MeSH D030342.

Allele frequency attached by ClinVar (database versions not stated): gnomAD 0.00035 and 0.00036; gnomAD exomes 0.00043 and 0.00068; TOPMed 0.00043; ESP Exome Variant Server 0.00049; ExAC 0.00058; 1000 Genomes Project 30x 0.00016; 1000 Genomes Project 0.00020.

Submissions (7):

Mayo Clinic Laboratories, Mayo Clinic
Classification: Uncertain significance. Last evaluated: 2025-09-25. Review status: criteria provided, single submitter. Criteria: ACMG Guidelines, 2015. Collection method: clinical testing. Allele origin: germline. Observed: 1 variant allele.
Comment: PP3_moderate

Labcorp Genetics (formerly Invitae), Labcorp
Classification: Uncertain significance for Glucose-6-phosphate transport defect. Last evaluated: 2025-02-03. Review status: criteria provided, single submitter. Criteria: Invitae Variant Classification Sherloc (09022015). Collection method: clinical testing. Allele origin: germline.
Comment: This sequence change replaces phenylalanine, which is neutral and non-polar, with leucine, which is neutral and non-polar, at codon 338 of the SLC37A4 protein (p.Phe338Leu). This variant is present in population databases (rs200662873, gnomAD 0.08%). This variant has not been reported in the literature in individuals affected with SLC37A4-related conditions. ClinVar contains an entry for this variant (Variation ID: 215175). Invitae Evidence Modeling of protein sequence and biophysical properties (such as structural, functional, and spatial information, amino acid conservation, physicochemical variation, residue mobility, and thermodynamic stability) indicates that this missense variant is not expected to disrupt SLC37A4 protein function with a negative predictive value of 80%. In summary, the available evidence is currently insufficient to determine the role of this variant in disease. Therefore, it has been classified as a Variant of Uncertain Significance.

Blueprint Genetics
Classification: Uncertain significance. Last evaluated: 2024-10-11. Review status: criteria provided, single submitter. Criteria: ACMG Guidelines, 2015. Collection method: clinical testing. Allele origin: germline.

PreventionGenetics, part of Exact Sciences
Classification: Uncertain significance for SLC37A4-related condition. Last evaluated: 2023-08-14. Review status: criteria provided, single submitter. Criteria: ACMG Guidelines, 2015. Collection method: clinical testing. Allele origin: germline.
Comment: The SLC37A4 c.1012T>C variant is predicted to result in the amino acid substitution p.Phe338Leu. To our knowledge, this variant has not been reported in the literature. This variant is reported in 0.076% of alleles in individuals of European (Non-Finnish) descent in gnomAD. Although we suspect that this variant may be benign, at this time, the clinical significance of this variant is uncertain due to the absence of conclusive functional and genetic evidence.

Ambry Genetics
Classification: Uncertain significance for Inborn genetic diseases. Last evaluated: 2021-08-16. Review status: criteria provided, single submitter. Criteria: Ambry Variant Classification Scheme 2023. Collection method: clinical testing. Allele origin: germline.
Comment: The p.F338L variant (also known as c.1012T>C), located in coding exon 7 of the SLC37A4 gene, results from a T to C substitution at nucleotide position 1012. The phenylalanine at codon 338 is replaced by leucine, an amino acid with highly similar properties. This amino acid position is conserved. In addition, this alteration is predicted to be deleterious by in silico analysis. Since supporting evidence is limited at this time, the clinical significance of this alteration remains unclear.

Department of Pathology and Laboratory Medicine, Sinai Health System
Classification: Uncertain significance for Glucose-6-phosphate transport defect; Phosphate transport defect; Congenital disorder of glycosylation, type IIw. Last evaluated: 2021-07-30. Review status: criteria provided, single submitter. Criteria: ACMG Guidelines, 2015. Collection method: research. Allele origin: germline.

Natera, Inc.
Classification: Uncertain significance for Glycogen storage disease type Ib. Last evaluated: 2020-04-16. Review status: no assertion criteria provided. Collection method: clinical testing. Allele origin: germline. Not counted in ClinVar's aggregate classification.